The following is an entry in ClinVar:

NM_004415.4(DSP):c.726+219T>G

Gene: DSP (desmoplakin; plus strand). Cytogenetic location: 6p24.3.
Variant type: single nucleotide variant.
Coding change: c.726+219T>G on transcript NM_004415.4 (MANE Select); 219 bases into the intron after coding-DNA position 726, T replaced by G.
Molecular consequence: intron variant.
Genome position (GRCh38, 1-based): chr6:7,562,999, T>G. VCF-style: chr6-7562999-T-G. GRCh37 (hg19) VCF-style: chr6-7563232-T-G.
Other names: c.726+219T>G (NM_001319034.2, NM_001008844.3).
Identifiers: ClinVar variation 672128 (VCV000672128.7), dbSNP rs2076295, ClinGen allele CA12223689.

ClinVar aggregate classification (germline): Benign. Review status: criteria provided, single submitter (1 of 4 stars). 5 submissions from 2 submitters: Benign (1). 4 of the submissions do not count toward it. Last evaluated 2018-06-14.

Conditions:
Combined pulmonary fibrosis-emphysema syndrome. Also called: Pulmonary emphysema co-occurrent with fibrosis of lung. Identifiers: Orphanet 300564, MedGen C3872815, MONDO:0017591.
Susceptibility to severe coronavirus disease (COVID-19). Also called: Susceptibility to severe coronavirus disease COVID-19.
Interstitial lung disease 2 (ILD2). Also called: Familial idiopathic pulmonary fibrosis; FIBROCYSTIC PULMONARY DYSPLASIA; FIBROSING ALVEOLITIS, CRYPTOGENIC. Identifiers: Orphanet 2032, Orphanet 79126, MedGen C5561926, MONDO:0800497, OMIM 178500, MONDO:0800029.
Chronic obstructive pulmonary disease. Also called: Chronic pulmonary obstruction. Identifiers: MedGen C0024117, MeSH D029424, MONDO:0005002, OMIM 606963, HP:0006510.

Allele frequency attached by ClinVar (database versions not stated): 1000 Genomes Project 30x 0.43348; 1000 Genomes Project 0.43271; gnomAD 0.45371 and 0.45776; TOPMed 0.46494.
gnomAD v4.1: 68,868 of 152,042 alleles (45%); highest among the groups gnomAD compares: African/African-American, 51%; 15,880 homozygotes.

Submissions (5):

GeneDx
Classification: Benign. Last evaluated: 2018-06-14. Review status: criteria provided, single submitter. Criteria: GeneDx Variant Classification (06012015). Collection method: clinical testing. Allele origin: germline. Affected: yes.
Comment: This variant is considered likely benign or benign based on one or more of the following criteria: it is a conservative change, it occurs at a poorly conserved position in the protein, it is predicted to be benign by multiple in silico algorithms, and/or has population frequency not consistent with disease.

Pneumogenomics Laboratory, Instituto Nacional de Enfermedades Respiratorias Ismael Cosio Villegas
Classification: Likely risk allele for Susceptibility to severe coronavirus disease COVID-19. Last evaluated: 2024-05-13. Review status: no assertion criteria provided. Collection method: research. Allele origin: germline. Affected: yes. Not counted in ClinVar's aggregate classification.
Comment: The NC_000006.12:g.7562999T>G (rs2076295) is a noncoding intron variant in DSP (desmoplakin). It has been related to the susceptibility of idiopathic pulmonary fibrosis in genome-wide association studies (PMID: 31710517). The G allele was found associated with non-survival risk in the linear regression analysis adjusting for age, SAH, cardiopathies, CRD, PaO2/FiO2 at admission, and the IMV requirement (p=0.047), even when age, PaO2/FiO2, and IMV requirement were only considered as co-variables (p=0.039). Additionally, the TG genotype was found to have a low risk of death when the last three variables were included as co-variables in the analysis (p=0.011, OR=0.58, 95%CI = 0.39-0.88), as well as for the TT+TG genotypes (p=0.021, OR=0.63, 95%CI = 0.43-0.93). However, carriers of this allele in the patients with post-COVID-19 condition presented higher scores on the pulmonary function tests at different follow-ups (FEV1/FVC, FVC %, FEV1 %, and ∆SpO2) than those carrying the T allele. Due to the reported data, the variant was classified as a likely risk allele.

Pneumogenomics Laboratory, Instituto Nacional de Enfermedades Respiratorias Ismael Cosio Villegas
Classification: association for Idiopathic Pulmonary Fibrosis. Last evaluated: 2021-05-04. Review status: no assertion criteria provided. Collection method: case-control. Allele origin: germline. Affected: yes. Not counted in ClinVar's aggregate classification.

Pneumogenomics Laboratory, Instituto Nacional de Enfermedades Respiratorias Ismael Cosio Villegas
Classification: Uncertain significance for Chronic obstructive pulmonary disease. Last evaluated: 2021-05-04. Review status: no assertion criteria provided. Collection method: case-control. Allele origin: germline. Affected: yes. Not counted in ClinVar's aggregate classification.

Pneumogenomics Laboratory, Instituto Nacional de Enfermedades Respiratorias Ismael Cosio Villegas
Classification: association for Combined pulmonary fibrosis-emphysema syndrome. Last evaluated: 2021-05-04. Review status: no assertion criteria provided. Collection method: case-control. Allele origin: germline. Affected: yes. Not counted in ClinVar's aggregate classification.